The following is an entry in ClinVar:

ClinVar aggregate classification (germline): Uncertain significance (1 of 4 stars; one submission).

Conditions:
Hereditary cancer-predisposing syndrome. Also called: Hereditary Cancer Syndrome; Hereditary neoplastic syndrome; Neoplastic Syndromes, Hereditary; Tumor predisposition. Identifiers: Orphanet 140162, MedGen C0027672, MeSH D009386, MONDO:0015356.

Submission:

Ambry Genetics
Classification: Uncertain significance for Hereditary cancer-predisposing syndrome. Last evaluated: 2025-08-19. Review status: criteria provided, single submitter. Criteria: Ambry Variant Classification Scheme 2023. Collection method: clinical testing. Allele origin: germline.
Comment: The p.L244R variant (also known as c.731T>G), located in coding exon 4 of the FLCN gene, results from a T to G substitution at nucleotide position 731. The leucine at codon 244 is replaced by arginine, an amino acid with dissimilar properties. This amino acid position is conserved. In addition, this alteration is predicted to be deleterious by in silico analysis. Based on the available evidence, the clinical significance of this variant remains unclear.

NM_144997.7(FLCN):c.731T>G (p.Leu244Arg)

Gene: FLCN (folliculin; minus strand). Cytogenetic location: 17p11.2.
Variant type: single nucleotide variant.
Coding change: c.731T>G on transcript NM_144997.7 (MANE Select); coding-DNA position 731, T replaced by G.
Protein change: p.Leu244Arg; replaces leucine 244 with arginine.
Molecular consequence: missense variant.
Genome position (GRCh38, 1-based): chr17:17,222,549, A>C on the plus strand (T>G on the coding strand, the complement: FLCN is on the minus strand). VCF-style: chr17-17222549-A-C. GRCh37 (hg19) VCF-style: chr17-17125863-A-C.
Other names: c.785T>G, p.Leu262Arg (NM_001353229.2); c.731T>G, p.Leu244Arg (NM_001353230.2, NM_001353231.2, NM_144606.7); short protein forms L244R, L262R.
Identifiers: ClinVar variation 4257943 (VCV004257943.1).